The following is an entry in ClinVar:

ClinVar aggregate classification (germline): Likely benign. Review status: criteria provided, multiple submitters, no conflicts (2 of 4 stars). 2 submissions from 2 submitters: Likely benign (2). Last evaluated 2026-05-01.

Conditions:
Neurodevelopmental disorder with or without hyperkinetic movements and seizures, autosomal dominant. Also called: Intellectual disability, autosomal dominant 8. Identifiers: MedGen C3280282, MONDO:0013655, OMIM 614254.

Allele frequency attached by ClinVar (database versions not stated): gnomAD 0.00001; TOPMed 0.00001.

Submissions (2):

CeGaT Center for Human Genetics Tuebingen
Classification: Likely benign. Last evaluated: 2026-05-01. Review status: criteria provided, single submitter. Criteria: CeGaT Center For Human Genetics Tuebingen Variant Classification Criteria Version 2. Collection method: clinical testing. Allele origin: germline. Affected: yes. Observed: 1 variant allele.
Comment: GRIN1: BP4, BP7

Labcorp Genetics (formerly Invitae), Labcorp
Classification: Likely benign for Neurodevelopmental disorder with or without hyperkinetic movements and seizures, autosomal dominant. Last evaluated: 2024-02-24. Review status: criteria provided, single submitter. Criteria: Invitae Variant Classification Sherloc (09022015). Collection method: clinical testing. Allele origin: germline.

NM_007327.4(GRIN1):c.1647C>T (p.Ser549=)

Gene: GRIN1 (glutamate ionotropic receptor NMDA type subunit 1; plus strand). Cytogenetic location: 9q34.3.
Variant type: single nucleotide variant.
Coding change: c.1647C>T on transcript NM_007327.4 (MANE Select); coding-DNA position 1647, C replaced by T.
Protein change: p.Ser549=; no amino-acid change (serine 549 retained).
Molecular consequence: synonymous variant.
Genome position (GRCh38, 1-based): chr9:137,162,186, C>T. VCF-style: chr9-137162186-C-T. GRCh37 (hg19) VCF-style: chr9-140056638-C-T.
Other names: c.1647C>T, p.Ser549= (NM_000832.7, NM_021569.4); c.1710C>T, p.Ser570= (NM_001185090.2, NM_001185091.2).
Identifiers: ClinVar variation 539842 (VCV000539842.11), dbSNP rs1052601804, ClinGen allele CA201687198.